The following is an entry in ClinVar:

ClinVar aggregate classification (germline): Uncertain significance (1 of 4 stars; one submission).

Conditions:
Hereditary cancer-predisposing syndrome. Also called: Neoplastic Syndromes, Hereditary; Tumor predisposition; Hereditary Cancer Syndrome; Hereditary neoplastic syndrome. Identifiers: Orphanet 140162, MedGen C0027672, MeSH D009386, MONDO:0015356.

Submission:

Ambry Genetics
Classification: Uncertain significance for Hereditary cancer-predisposing syndrome. Last evaluated: 2026-04-23. Review status: criteria provided, single submitter. Criteria: Ambry Variant Classification Scheme 2023. Collection method: clinical testing. Allele origin: germline.
Comment: The c.3686_3686+3delTGTA variant results from a deletion of 4 nucleotides between positions 3686 and 3686+3 and involves the canonical splice donor site after coding exon 17 of the MET gene. The canonical splice donor site is highly conserved in available vertebrate species. In silico splice site analysis predicts that this alteration will weaken the native splice donor site and will result in the creation or strengthening of a novel splice donor site. Variants that disrupt the canonical splice site are expected to cause aberrant splicing, resulting in an abnormal protein or a transcript that is subject to nonsense-mediated mRNA decay. However, loss of function has not been established as a mechanism of disease. Based on the available evidence, the clinical significance of this variant remains unclear.

NM_000245.4(MET):c.3632_3632+3del

Gene: MET (MET proto-oncogene, receptor tyrosine kinase; plus strand). Cytogenetic location: 7q31.2.
Variant type: Microsatellite.
Coding change: c.3632_3632+3del on transcript NM_000245.4 (MANE Select); coding-DNA position 3632 through 3 bases into the intron after coding-DNA position 3632, 4 bases deleted (TGTA; older notation c.3632_3632+3delTGTA).
Molecular consequence: splice donor variant.
Genome position (GRCh38, 1-based): chr7:116,782,097-116,782,100, TGTA deleted; deleting any 4 consecutive bases within chr7:116,782,093-116,782,100 gives the same sequence; the c. name uses the placement nearest the transcript's 3' end. VCF-style (leftmost placement, unchanged base first): chr7-116782092-CTGTA-C. GRCh37 (hg19) VCF-style: chr7-116422146-CTGTA-C.
Other names: c.3686_3686+3del (NM_001127500.3); c.2342_2342+3del (NM_001324402.2).
Identifiers: ClinVar variation 4859968 (VCV004859968.1).